The following is an entry in ClinVar:

NM_003060.4(SLC22A5):c.733G>A (p.Val245Met)

Gene: SLC22A5 (solute carrier family 22 member 5; plus strand). Cytogenetic location: 5q31.1.
Variant type: single nucleotide variant.
Coding change: c.733G>A on transcript NM_003060.4 (MANE Select); coding-DNA position 733, G replaced by A.
Protein change: p.Val245Met; replaces valine 245 with methionine.
Molecular consequence: missense variant.
Genome position (GRCh38, 1-based): chr5:132,385,408, G>A. VCF-style: chr5-132385408-G-A. GRCh37 (hg19) VCF-style: chr5-131721100-G-A.
Other names: c.805G>A, p.Val269Met (NM_001308122.2); short protein forms V245M, V269M.
Identifiers: ClinVar variation 2201558 (VCV002201558.4), dbSNP rs1243155490, ClinGen allele CA360805101.

ClinVar aggregate classification (germline): Uncertain significance (1 of 4 stars; one submission).

Conditions:
Renal carnitine transport defect (CDSP). Also called: CARNITINE DEFICIENCY, SYSTEMIC, DUE TO DEFECT IN RENAL REABSORPTION OF CARNITINE; CARNITINE TRANSPORTER, PLASMA-MEMBRANE, DEFICIENCY OF; CARNITINE UPTAKE DEFECT; Primary carnitine deficiency; Systemic primary carnitine deficiency; Carnitine transporter deficiency. Identifiers: Orphanet 158, MedGen C0342788, MONDO:0008919, OMIM 212140.

Allele frequency attached by ClinVar (database versions not stated): gnomAD exomes 0.00001.
gnomAD v4.1: 9 of 1,614,024 alleles (0.00056%); highest among the groups gnomAD compares: Non-Finnish European, 0.00076%; no homozygotes.

Submission:

Labcorp Genetics (formerly Invitae), Labcorp
Classification: Uncertain significance for Renal carnitine transport defect. Last evaluated: 2022-02-22. Review status: criteria provided, single submitter. Criteria: Invitae Variant Classification Sherloc (09022015). Collection method: clinical testing. Allele origin: germline.
Comment: This sequence change replaces valine, which is neutral and non-polar, with methionine, which is neutral and non-polar, at codon 245 of the SLC22A5 protein (p.Val245Met). In summary, the available evidence is currently insufficient to determine the role of this variant in disease. Therefore, it has been classified as a Variant of Uncertain Significance. Advanced modeling of protein sequence and biophysical properties (such as structural, functional, and spatial information, amino acid conservation, physicochemical variation, residue mobility, and thermodynamic stability) performed at Invitae indicates that this missense variant is not expected to disrupt SLC22A5 protein function. This variant has not been reported in the literature in individuals affected with SLC22A5-related conditions. This variant is present in population databases (no rsID available, gnomAD 0.0009%).